The following is an entry in ClinVar:

NM_015001.3(SPEN):c.6534C>T (p.Ile2178=)

Gene: SPEN (spen family transcriptional repressor; plus strand). Cytogenetic location: 1p36.13.
Variant type: single nucleotide variant.
Coding change: c.6534C>T on transcript NM_015001.3 (MANE Select); coding-DNA position 6534, C replaced by T.
Protein change: p.Ile2178=; no amino-acid change (isoleucine 2178 retained).
Molecular consequence: synonymous variant.
Genome position (GRCh38, 1-based): chr1:15,932,774, C>T. VCF-style: chr1-15932774-C-T. GRCh37 (hg19) VCF-style: chr1-16259269-C-T.
Other names: c.6534C>T (NM_015001.2).
Identifiers: ClinVar variation 4535473 (VCV004535473.7).
Genomic context (GRCh38, chr1:15,932,774, plus strand): 5'-GTCCCCAGAAGCCACCCAGTTAGCCAAGCAGATGGAGCTGGAGCAGGCCGTGGAACACAT[C>T]GCAAAGCTCGCTGAGGCCTCTGCCTCTGCTGCCTATAAGGCAGATGCACCAGAGGGCCTT-3'
Protein context (NP_055816.2, residues 2168-2188): QMELEQAVEH[Ile2178=]AKLAEASASA

ClinVar aggregate classification (germline): Likely benign. Review status: criteria provided, multiple submitters, no conflicts (2 of 4 stars). 2 submissions from 2 submitters: Likely benign (2). Last evaluated 2025-10-01.

Conditions:
SPEN-related disorder. Also called: SPEN-related condition.

gnomAD v4.1: 184 of 1,614,078 alleles (0.011%); highest among the groups gnomAD compares: Non-Finnish European, 0.015%; no homozygotes.

Submissions (2):

CeGaT Center for Human Genetics Tuebingen
Classification: Likely benign. Last evaluated: 2025-10-01. Review status: criteria provided, single submitter. Criteria: CeGaT Center For Human Genetics Tuebingen Variant Classification Criteria Version 2. Collection method: clinical testing. Allele origin: germline. Affected: yes. Observed: 1 variant allele.
Comment: SPEN: BP4, BP7

PreventionGenetics, part of Exact Sciences
Classification: Likely benign for SPEN-related condition. Last evaluated: 2025-07-14. Review status: criteria provided, single submitter. Criteria: ACMG Guidelines, 2015. Collection method: clinical testing. Allele origin: germline.
Comment: This variant is classified as likely benign based on ACMG/AMP sequence variant interpretation guidelines (Richards et al. 2015 PMID: 25741868, with internal and published modifications).